The following is an entry in ClinVar:

ClinVar aggregate classification (germline): Uncertain significance (1 of 4 stars; one submission).

Conditions:
Peutz-Jeghers syndrome (PJS). Also called: POLYPOSIS, HAMARTOMATOUS INTESTINAL; POLYPS-AND-SPOTS SYNDROME; Peutz-Jeghers polyposis; Periorificial lentiginosis syndrome. Identifiers: Orphanet 2869, MedGen C0031269, MeSH D010580, MONDO:0008280, OMIM 175200.

Submission:

Labcorp Genetics (formerly Invitae), Labcorp
Classification: Uncertain significance for Peutz-Jeghers syndrome. Last evaluated: 2025-04-27. Review status: criteria provided, single submitter. Criteria: Invitae Variant Classification Sherloc (09022015). Collection method: clinical testing. Allele origin: germline.
Comment: This sequence change replaces isoleucine, which is neutral and non-polar, with threonine, which is neutral and polar, at codon 79 of the STK11 protein (p.Ile79Thr). This variant is not present in population databases (gnomAD no frequency). This variant has not been reported in the literature in individuals affected with STK11-related conditions. Invitae Evidence Modeling of protein sequence and biophysical properties (such as structural, functional, and spatial information, amino acid conservation, physicochemical variation, residue mobility, and thermodynamic stability) has been performed for this missense variant. However, the output from this modeling did not meet the statistical confidence thresholds required to predict the impact of this variant on STK11 protein function. In summary, the available evidence is currently insufficient to determine the role of this variant in disease. Therefore, it has been classified as a Variant of Uncertain Significance.

NM_000455.5(STK11):c.236T>C (p.Ile79Thr)

Gene: STK11 (serine/threonine kinase 11; plus strand). Cytogenetic location: 19p13.3.
Variant type: single nucleotide variant.
Coding change: c.236T>C on transcript NM_000455.5 (MANE Select); coding-DNA position 236, T replaced by C.
Protein change: p.Ile79Thr; replaces isoleucine 79 with threonine.
Molecular consequence: missense variant. On other transcripts: non-coding transcript variant (1).
Genome position (GRCh38, 1-based): chr19:1,207,149, T>C. VCF-style: chr19-1207149-T-C. GRCh37 (hg19) VCF-style: chr19-1207148-T-C.
Other names: c.236T>C, p.Ile79Thr (NM_001407255.1); short protein forms I79T.
Identifiers: ClinVar variation 4799267 (VCV004799267.1).